The following is an entry in ClinVar:

ClinVar aggregate classification (germline): Uncertain significance. Review status: criteria provided, multiple submitters, no conflicts (2 of 4 stars). 2 submissions from 2 submitters: Uncertain significance (2). Last evaluated 2025-09-06.

Conditions:
Hereditary cancer-predisposing syndrome. Also called: Hereditary neoplastic syndrome; Neoplastic Syndromes, Hereditary; Tumor predisposition; Hereditary Cancer Syndrome. Identifiers: Orphanet 140162, MedGen C0027672, MeSH D009386, MONDO:0015356.
Familial cancer of breast. Also called: Hereditary breast cancer; hereditary breast carcinoma; BREAST CANCER, FAMILIAL. Identifiers: Orphanet 227535, MedGen C0346153, MONDO:0016419, OMIM 114480. Disease mechanism: loss of function.

Allele frequency attached by ClinVar (database versions not stated): TOPMed below 0.00001; gnomAD 0.00001.
gnomAD v4.1: 1 of 1,603,410 alleles (0.000062%); highest among the groups gnomAD compares: Non-Finnish European, 0.000085%; no homozygotes.

Submissions (2):

Labcorp Genetics (formerly Invitae), Labcorp
Classification: Uncertain significance for Familial cancer of breast. Last evaluated: 2025-09-06. Review status: criteria provided, single submitter. Criteria: Invitae Variant Classification Sherloc (09022015). Collection method: clinical testing. Allele origin: germline.
Comment: This sequence change replaces lysine, which is basic and polar, with asparagine, which is neutral and polar, at codon 365 of the CHEK2 protein (p.Lys365Asn). This variant also falls at the last nucleotide of exon 10, which is part of the consensus splice site for this exon. This variant is not present in population databases (gnomAD no frequency). This variant has not been reported in the literature in individuals affected with CHEK2-related conditions. ClinVar contains an entry for this variant (Variation ID: 948601). An algorithm developed to predict the effect of missense changes on protein structure and function (PolyPhen-2) suggests that this variant is likely to be disruptive. Variants that disrupt the consensus splice site are a relatively common cause of aberrant splicing (PMID: 17576681, 9536098). Algorithms developed to predict the effect of sequence changes on RNA splicing suggest that this variant may disrupt the consensus splice site. In summary, the available evidence is currently insufficient to determine the role of this variant in disease. Therefore, it has been classified as a Variant of Uncertain Significance.

Ambry Genetics
Classification: Uncertain significance for Hereditary cancer-predisposing syndrome. Last evaluated: 2023-07-12. Review status: criteria provided, single submitter. Criteria: Ambry Variant Classification Scheme 2023. Collection method: clinical testing. Allele origin: germline.
Comment: The p.K365N variant (also known as c.1095G>C), located in coding exon 9 of the CHEK2 gene, results from a G to C substitution at nucleotide position 1095. The amino acid change results in lysine to asparagine at codon 365, an amino acid with similar properties. However, this change occurs in the last base pair of coding exon 9, which makes it likely to have some effect on normal mRNA splicing. This nucleotide position is highly conserved in available vertebrate species. In silico splice site analysis for this alteration is inconclusive. This amino acid position is highly conserved in available vertebrate species. In addition, as a missense substitution this is predicted to be inconclusive by in silico analysis. Since supporting evidence is limited at this time, the clinical significance of this alteration remains unclear.

Literature cited by the submitters: PubMed 17576681 (cited by Labcorp Genetics (formerly Invitae), Labcorp); PubMed 9536098 (cited by Labcorp Genetics (formerly Invitae), Labcorp).

NM_007194.4(CHEK2):c.1095G>C (p.Lys365Asn)

Gene: CHEK2 (checkpoint kinase 2; minus strand). Cytogenetic location: 22q12.1.
Variant type: single nucleotide variant.
Coding change: c.1095G>C on transcript NM_007194.4 (MANE Select); coding-DNA position 1095, G replaced by C.
Protein change: p.Lys365Asn; replaces lysine 365 with asparagine.
Molecular consequence: missense variant. On other transcripts: intron variant (3).
Genome position (GRCh38, 1-based): chr22:28,696,901, C>G on the plus strand (G>C on the coding strand, the complement: CHEK2 is on the minus strand). VCF-style: chr22-28696901-C-G. GRCh37 (hg19) VCF-style: chr22-29092889-C-G.
Other names: c.1224G>C, p.Lys408Asn (NM_001005735.3); c.432G>C, p.Lys144Asn (NM_001257387.3, NM_001437942.1); c.894G>C, p.Lys298Asn (NM_001349956.3); c.1188G>C, p.Lys396Asn (NM_001438293.1); c.1009-1028G>C (NM_145862.3); c.1102-1028G>C (NM_001438295.1); c.1138-1028G>C (NM_001438294.1); short protein forms K408N, K365N, K144N, K298N, K396N.
Identifiers: ClinVar variation 948601 (VCV000948601.12), dbSNP rs1601726502, ClinGen allele CA411097416.
Genomic context (GRCh38, chr22:28,696,901, plus strand): 5'-TTAAAAGTTTCTGAACAAGAATCTACAGGAATAGCCACATACAGAATGCCAATTTCTTAC[C>G]TTTATAAGACAGTCCTCTTCTTGAGATGACAGTAAAACATTCTCTGGCTTTAAGTCACGG-3'
Protein context (NP_009125.1, residues 355-375): LSSQEEDCLI[Lys365Asn]ITDFGHSKIL